The following is an entry in ClinVar:

ClinVar aggregate classification (germline): Uncertain significance. Review status: criteria provided, multiple submitters, no conflicts (2 of 4 stars). 2 submissions from 2 submitters: Uncertain significance (2). Last evaluated 2022-02-11.

Conditions:
Inborn genetic diseases. Identifiers: MedGen C0950123, MeSH D030342.
Hereditary sensory and autonomic neuropathy type 6. Also called: Neuropathy, hereditary sensory and autonomic, type VI; HSAN VI. Identifiers: Orphanet 314381, MedGen C3539003, MONDO:0013839, OMIM 614653.
Epidermolysis bullosa simplex 3, localized or generalized intermediate, with BP230 deficiency (EBS3). Also called: Epidermolysis bullosa simplex due to BP230 deficiency; Epidermolysis bullosa simplex, autosomal recessive 2. Identifiers: Orphanet 412181, MedGen C3809470, MONDO:0014180, OMIM 615425.

Allele frequency attached by ClinVar (database versions not stated): gnomAD 0.00001 and 0.00002; gnomAD exomes 0.00001; TOPMed 0.00001.
gnomAD v4.1: 17 of 1,613,226 alleles (0.0011%); highest among the groups gnomAD compares: Non-Finnish European, 0.0014%; no homozygotes.

Submissions (2):

Labcorp Genetics (formerly Invitae), Labcorp
Classification: Uncertain significance for Epidermolysis bullosa simplex 3, localized or generalized intermediate, with BP230 deficiency; Hereditary sensory and autonomic neuropathy type 6. Last evaluated: 2022-02-11. Review status: criteria provided, single submitter. Criteria: Invitae Variant Classification Sherloc (09022015). Collection method: clinical testing. Allele origin: germline.
Comment: The DST gene has multiple clinically relevant transcripts. This variant occurs in alternate transcript NM_015548.4, and corresponds to NM_001723.5:c.*42654G>A in the primary transcript. This sequence change replaces glutamic acid, which is acidic and polar, with lysine, which is basic and polar, at codon 1857 of the DST protein (p.Glu1857Lys). The frequency data for this variant in the population databases is considered unreliable, as metrics indicate poor data quality at this position in the gnomAD database. This variant has not been reported in the literature in individuals affected with DST-related conditions. Experimental studies and prediction algorithms are not available or were not evaluated, and the functional significance of this variant is currently unknown. In summary, the available evidence is currently insufficient to determine the role of this variant in disease. Therefore, it has been classified as a Variant of Uncertain Significance.

Ambry Genetics
Classification: Uncertain significance for Inborn genetic diseases. Last evaluated: 2020-06-10. Review status: criteria provided, single submitter. Criteria: Ambry Variant Classification Scheme 2023. Collection method: clinical testing. Allele origin: germline.
Comment: The p.E2361K variant (also known as c.7081G>A), located in coding exon 46 of the DST gene, results from a G to A substitution at nucleotide position 7081. The glutamic acid at codon 2361 is replaced by lysine, an amino acid with similar properties. This amino acid position is highly conserved in available vertebrate species. In addition, this alteration is predicted to be deleterious by in silico analysis. Since supporting evidence is limited at this time, the clinical significance of this alteration remains unclear.

NM_001374736.1(DST):c.13438G>A (p.Glu4480Lys)

Gene: DST (dystonin; minus strand). Cytogenetic location: 6p12.1.
Variant type: single nucleotide variant.
Coding change: c.13438G>A on transcript NM_001374736.1 (MANE Select); coding-DNA position 13438, G replaced by A.
Protein change: p.Glu4480Lys; replaces glutamic acid 4480 with lysine.
Molecular consequence: missense variant.
Genome position (GRCh38, 1-based): chr6:56,572,863, C>T on the plus strand (G>A on the coding strand, the complement: DST is on the minus strand). VCF-style: chr6-56572863-C-T. GRCh37 (hg19) VCF-style: chr6-56437661-C-T.
Other names: c.7081G>A, p.Glu2361Lys (NM_001144769.5); c.6667G>A, p.Glu2223Lys (NM_001144770.2); c.13438G>A, p.Glu4480Lys (NM_001374722.1); c.12805G>A, p.Glu4269Lys (NM_001374729.1); c.6547G>A, p.Glu2183Lys (NM_001374730.1, NM_001386100.1, NM_183380.4); c.13465G>A, p.Glu4489Lys (NM_001374734.1); c.5569G>A, p.Glu1857Lys (NM_015548.5); short protein forms E1857K, E2183K, E2223K, E2361K, E4269K, E4480K, E4489K.
Identifiers: ClinVar variation 1023994 (VCV001023994.8), dbSNP rs1291767235, ClinGen allele CA364527247.
Genomic context (GRCh38, chr6:56,572,863, plus strand): 5'-GAGCCTGAGTTTTTGTTTCTAAAAATGTCTGGAGCTTTTCTGAGAGGTTCTCAAACAGTT[C>T]TACTTTGGTTTTTAGCTCCTCCATTTTGGCAAGAGTTTCTTTGTGTTTATGACTTGCTTC-3'
Protein context (NP_001361665.1, residues 4470-4490): AKMEELKTKV[Glu4480Lys]LFENLSEKLQ